The following is an entry in ClinVar:

ClinVar aggregate classification (germline): Pathogenic (1 of 4 stars; one submission).

Conditions:
Complex neurodevelopmental disorder. Identifiers: Orphanet 528084, MedGen C5568766, MONDO:0100038.
Developmental and epileptic encephalopathy, 11 (DEE11). Also called: Early infantile epileptic encephalopathy 11. Identifiers: Orphanet 1934, MedGen C3150987, MONDO:0013388, OMIM 613721.
Seizures, benign familial infantile, 3 (BFIS3). Also called: CONVULSIONS, BENIGN FAMILIAL INFANTILE, 3; Familial neonatal seizures. Identifiers: Orphanet 140927, Orphanet 306, MedGen C1843140, MONDO:0011904, OMIM 607745.

Submission:

Labcorp Genetics (formerly Invitae), Labcorp
Classification: Pathogenic for Seizures, benign familial infantile, 3; Developmental and epileptic encephalopathy, 11. Last evaluated: 2024-09-06. Review status: criteria provided, single submitter. Criteria: Invitae Variant Classification Sherloc (09022015). Collection method: clinical testing. Allele origin: germline.
Comment: This sequence change replaces leucine, which is neutral and non-polar, with phenylalanine, which is neutral and non-polar, at codon 846 of the SCN2A protein (p.Leu846Phe). This variant is not present in population databases (gnomAD no frequency). This missense change has been observed in individual(s) with SCN2A-related conditions (PMID: 31175295, 34114234; internal data). In at least one individual the variant was observed to be de novo. ClinVar contains an entry for this variant (Variation ID: 984898). Invitae Evidence Modeling of protein sequence and biophysical properties (such as structural, functional, and spatial information, amino acid conservation, physicochemical variation, residue mobility, and thermodynamic stability) indicates that this missense variant is expected to disrupt SCN2A protein function with a positive predictive value of 80%. For these reasons, this variant has been classified as Pathogenic.

Literature cited by the submitters: PubMed 31175295 (cited by Labcorp Genetics (formerly Invitae), Labcorp); PubMed 34114234 (cited by Labcorp Genetics (formerly Invitae), Labcorp).

NM_001040142.2(SCN2A):c.2538G>T (p.Leu846Phe)

Gene: SCN2A (sodium voltage-gated channel alpha subunit 2; plus strand). Cytogenetic location: 2q24.3.
Variant type: single nucleotide variant.
Coding change: c.2538G>T on transcript NM_001040142.2 (MANE Select); coding-DNA position 2538, G replaced by T.
Protein change: p.Leu846Phe; replaces leucine 846 with phenylalanine.
Molecular consequence: missense variant.
Genome position (GRCh38, 1-based): chr2:165,342,445, G>T. VCF-style: chr2-165342445-G-T. GRCh37 (hg19) VCF-style: chr2-166198955-G-T.
Other names: c.2538G>T, p.Leu846Phe (NM_001040143.2, NM_001371246.1, NM_001371247.1 and 1 more transcripts); short protein forms L846F.
Identifiers: ClinVar variation 984898 (VCV000984898.5), dbSNP rs1699366355, ClinGen allele CA349012853.